The following is an entry in ClinVar:

ClinVar aggregate classification (germline): Uncertain significance (1 of 4 stars; one submission).

Conditions:
Hereditary sensory and autonomic neuropathy type 6. Also called: HSAN VI; Neuropathy, hereditary sensory and autonomic, type VI. Identifiers: Orphanet 314381, MedGen C3539003, MONDO:0013839, OMIM 614653.
Epidermolysis bullosa simplex 3, localized or generalized intermediate, with BP230 deficiency (EBS3). Also called: Epidermolysis bullosa simplex due to BP230 deficiency; Epidermolysis bullosa simplex, autosomal recessive 2. Identifiers: Orphanet 412181, MedGen C3809470, MONDO:0014180, OMIM 615425.

Submission:

Labcorp Genetics (formerly Invitae), Labcorp
Classification: Uncertain significance for Epidermolysis bullosa simplex 3, localized or generalized intermediate, with BP230 deficiency; Hereditary sensory and autonomic neuropathy type 6. Last evaluated: 2021-12-23. Review status: criteria provided, single submitter. Criteria: Invitae Variant Classification Sherloc (09022015). Collection method: clinical testing. Allele origin: germline.
Comment: The DST gene has multiple clinically relevant transcripts. This variant occurs in alternate transcript NM_015548.4, and corresponds to NM_001723.5:c.*109030G>A in the primary transcript. In summary, the available evidence is currently insufficient to determine the role of this variant in disease. Therefore, it has been classified as a Variant of Uncertain Significance. Experimental studies and prediction algorithms are not available or were not evaluated, and the functional significance of this variant is currently unknown. This variant has not been reported in the literature in individuals affected with DST-related conditions. This variant is not present in population databases (gnomAD no frequency). This sequence change replaces glutamic acid, which is acidic and polar, with lysine, which is basic and polar, at codon 3851 of the DST protein (p.Glu3851Lys).

NM_001374736.1(DST):c.19420G>A (p.Glu6474Lys)

Gene: DST (dystonin; minus strand). Cytogenetic location: 6p12.1.
Variant type: single nucleotide variant.
Coding change: c.19420G>A on transcript NM_001374736.1 (MANE Select); coding-DNA position 19420, G replaced by A.
Protein change: p.Glu6474Lys; replaces glutamic acid 6474 with lysine.
Molecular consequence: missense variant.
Genome position (GRCh38, 1-based): chr6:56,506,487, C>T on the plus strand (G>A on the coding strand, the complement: DST is on the minus strand). VCF-style: chr6-56506487-C-T. GRCh37 (hg19) VCF-style: chr6-56371285-C-T.
Other names: c.13063G>A, p.Glu4355Lys (NM_001144769.5); c.12649G>A, p.Glu4217Lys (NM_001144770.2); c.19420G>A, p.Glu6474Lys (NM_001374722.1); c.18460G>A, p.Glu6154Lys (NM_001374729.1); c.12202G>A, p.Glu4068Lys (NM_001374730.1); c.19447G>A, p.Glu6483Lys (NM_001374734.1); c.12529G>A, p.Glu4177Lys (NM_001386100.1, NM_183380.4); c.11551G>A, p.Glu3851Lys (NM_015548.5); short protein forms E3851K, E4068K, E4177K, E4217K, E4355K, E6154K, E6474K, E6483K.
Identifiers: ClinVar variation 2418628 (VCV002418628.8), dbSNP rs2534263384, ClinGen allele CA364522210.